The following is an entry in ClinVar:

NM_005633.4(SOS1):c.214-3A>G

Gene: SOS1 (SOS Ras/Rac guanine nucleotide exchange factor 1; minus strand). Cytogenetic location: 2p22.1.
Variant type: single nucleotide variant.
Coding change: c.214-3A>G on transcript NM_005633.4 (MANE Select); 3 bases into the intron before coding-DNA position 214, A replaced by G.
Molecular consequence: intron variant.
Genome position (GRCh38, 1-based): chr2:39,058,807, T>C on the plus strand (A>G on the coding strand, the complement: SOS1 is on the minus strand). VCF-style: chr2-39058807-T-C. GRCh37 (hg19) VCF-style: chr2-39285948-T-C.
Other names: c.193-3A>G (NM_001382394.1); c.214-3A>G (NM_001382395.1).
Identifiers: ClinVar variation 3666668 (VCV003666668.2).

ClinVar aggregate classification (germline): Uncertain significance (1 of 4 stars; one submission).

Conditions:
RASopathy. Also called: Noonan spectrum disorder; rasopathies. Identifiers: Orphanet 536391, MedGen C5555857, MONDO:0021060.

Submission:

Labcorp Genetics (formerly Invitae), Labcorp
Classification: Uncertain significance for RASopathy. Last evaluated: 2024-09-14. Review status: criteria provided, single submitter. Criteria: Invitae Variant Classification Sherloc (09022015). Collection method: clinical testing. Allele origin: germline.
Comment: This sequence change falls in intron 2 of the SOS1 gene. It does not directly change the encoded amino acid sequence of the SOS1 protein. It affects a nucleotide within the consensus splice site. This variant is not present in population databases (gnomAD no frequency). This variant has not been reported in the literature in individuals affected with SOS1-related conditions. Variants that disrupt the consensus splice site are a relatively common cause of aberrant splicing (PMID: 17576681, 9536098). Algorithms developed to predict the effect of sequence changes on RNA splicing suggest that this variant may disrupt the consensus splice site. In summary, the available evidence is currently insufficient to determine the role of this variant in disease. Therefore, it has been classified as a Variant of Uncertain Significance.

Literature cited by the submitters: PubMed 17576681; PubMed 9536098.